The following is an entry in ClinVar:

ClinVar aggregate classification (germline): Likely pathogenic (1 of 4 stars; one submission).

Conditions:
Brachyolmia-amelogenesis imperfecta syndrome. Also called: PLATYSPONDYLY WITH AMELOGENESIS IMPERFECTA; Tooth agenesis, selective, 6; Dental anomalies and short stature. Identifiers: Orphanet 2899, MedGen C1832594, MONDO:0011018, OMIM 601216. Disease mechanism: loss of function.

Submission:

Labcorp Genetics (formerly Invitae), Labcorp
Classification: Likely pathogenic for Brachyolmia-amelogenesis imperfecta syndrome. Last evaluated: 2025-10-12. Review status: criteria provided, single submitter. Criteria: Invitae Variant Classification Sherloc (09022015). Collection method: clinical testing. Allele origin: germline.
Comment: This variant results in the deletion of part of exon 13 (c.1958_1978+3del) of the LTBP3 gene. It is expected to disrupt RNA splicing. Variants that disrupt the donor or acceptor splice site typically lead to a loss of protein function (PMID: 16199547), and loss-of-function variants in LTBP3 are known to be pathogenic (PMID: 11790802, 19344874, 25669657). This variant is present in population databases (rs780470772, gnomAD 0.01%). This variant has not been reported in the literature in individuals affected with LTBP3-related conditions. In summary, the currently available evidence indicates that the variant is pathogenic, but additional data are needed to prove that conclusively. Therefore, this variant has been classified as Likely Pathogenic.

Literature cited by the submitters: PubMed 16199547; PubMed 11790802; PubMed 19344874; PubMed 25669657.

NM_001130144.3(LTBP3):c.1958_1978+3del

Genes: LTBP3 (latent transforming growth factor beta binding protein 3; minus strand), LOC130006032 (ATAC-STARR-seq lymphoblastoid silent region 3535; plus strand). Cytogenetic location: 11q13.1.
Variant type: Deletion.
Coding change: c.1958_1978+3del on transcript NM_001130144.3 (MANE Select); coding-DNA position 1958 through 3 bases into the intron after coding-DNA position 1978, 24 bases deleted (CCGGGGGGCGCTCGTGCGTGGGTG).
Molecular consequence: splice donor variant.
Genome position (GRCh38, 1-based): chr11:65,547,687-65,547,710, CACCCACGCACGAGCGCCCCCCGG deleted on the plus strand (CCGGGGGGCGCTCGTGCGTGGGTG on the coding strand, the reverse complement: LTBP3 is on the minus strand); deleting any 24 consecutive bases within chr11:65,547,687-65,547,711 gives the same sequence; the c. name uses the placement nearest the transcript's 3' end. VCF-style (leftmost placement, unchanged base first): chr11-65547686-TCACCCACGCACGAGCGCCCCCCGG-T. GRCh37 (hg19) VCF-style: chr11-65315157-TCACCCACGCACGAGCGCCCCCCGG-T.
Other names: c.1607_1627+3del (NM_001164266.1); c.1958_1978+3del (NM_021070.4).
Identifiers: ClinVar variation 4699340 (VCV004699340.1).